The following is an entry in ClinVar:

NM_000264.5(PTCH1):c.3363del (p.His1121fs)

Gene: PTCH1 (patched 1; minus strand). Cytogenetic location: 9q22.32.
Variant type: Deletion.
Coding change: c.3363del on transcript NM_000264.5 (MANE Select); coding-DNA position 3363, one base deleted (C; older notation c.3363delC).
Protein change: p.His1121fs; shifts the reading frame from histidine 1121.
Molecular consequence: frameshift variant. On other transcripts: non-coding transcript variant (1).
Genome position (GRCh38, 1-based): chr9:95,453,564, G deleted on the plus strand (C on the coding strand, the reverse complement: PTCH1 is on the minus strand). VCF-style (leftmost placement, unchanged base first): chr9-95453563-TG-T. GRCh37 (hg19) VCF-style: chr9-98215845-TG-T.
Other names: c.3165del, p.His1055fs (NM_001083602.3); c.3360del, p.His1120fs (NM_001083603.3); c.2910del, p.His970fs (NM_001083604.3, NM_001083605.3, NM_001083606.3 and 1 more transcripts); c.3207del, p.His1069fs (NM_001354918.2); short protein forms H1069fs, H1120fs, H1121fs, H1055fs, H970fs.
Identifiers: ClinVar variation 939974 (VCV000939974.8), dbSNP rs1838661583, ClinGen allele CA1139661041.

ClinVar aggregate classification (germline): Pathogenic (1 of 4 stars; one submission).

Conditions:
Gorlin syndrome. Also called: Nevoid Basal Cell Carcinoma Syndrome; Basal cell nevus syndrome. Identifiers: Orphanet 377, MedGen C0004779, MONDO:0007187.

Submission:

Labcorp Genetics (formerly Invitae), Labcorp
Classification: Pathogenic for Gorlin syndrome. Last evaluated: 2019-08-10. Review status: criteria provided, single submitter. Criteria: Invitae Variant Classification Sherloc (09022015). Collection method: clinical testing. Allele origin: germline.
Comment: This variant is not present in population databases (ExAC no frequency). For these reasons, this variant has been classified as Pathogenic. Loss-of-function variants in PTCH1 are known to be pathogenic (PMID: 16301862, 16419085). This variant has not been reported in the literature in individuals with PTCH1-related conditions. This sequence change creates a premature translational stop signal (p.His1121Glnfs*18) in the PTCH1 gene. It is expected to result in an absent or disrupted protein product.

Literature cited by the submitters: PubMed 16301862; PubMed 16419085.